The following is an entry in ClinVar:

NM_000301.5(PLG):c.266G>A (p.Arg89Lys)

Gene: PLG (plasminogen; plus strand). Cytogenetic location: 6q26.
Variant type: single nucleotide variant.
Coding change: c.266G>A on transcript NM_000301.5 (MANE Select); coding-DNA position 266, G replaced by A.
Protein change: p.Arg89Lys; replaces arginine 89 with lysine.
Molecular consequence: missense variant.
Genome position (GRCh38, 1-based): chr6:160,707,780, G>A. VCF-style: chr6-160707780-G-A. GRCh37 (hg19) VCF-style: chr6-161128812-G-A.
Other names: p.Arg89Lys; c.266G>A, p.Arg89Lys (NM_001168338.1); short protein forms R89K.
Identifiers: ClinVar variation 770931 (VCV000770931.34), dbSNP rs143079629, ClinGen allele CA4087363.

ClinVar aggregate classification (germline): Benign. Review status: criteria provided, multiple submitters, no conflicts (2 of 4 stars). 3 submissions from 3 submitters: Benign (3). Last evaluated 2026-05-01.

Allele frequency attached by ClinVar (database versions not stated): 1000 Genomes Project 30x 0.00187; gnomAD 0.00621; TOPMed 0.00674; ESP Exome Variant Server 0.00800; 1000 Genomes Project 0.00180.
gnomAD v4.1: 16,991 of 1,611,348 alleles (1.1%); highest among the groups gnomAD compares: Non-Finnish European, 1.4%; 128 homozygotes.

Submissions (3):

CeGaT Center for Human Genetics Tuebingen
Classification: Benign. Last evaluated: 2026-05-01. Review status: criteria provided, single submitter. Criteria: CeGaT Center For Human Genetics Tuebingen Variant Classification Criteria Version 2. Collection method: clinical testing. Allele origin: germline. Affected: yes. Observed: 10 variant alleles.
Comment: PLG: BP4, BS1, BS2

Labcorp Genetics (formerly Invitae), Labcorp
Classification: Benign. Last evaluated: 2026-01-26. Review status: criteria provided, single submitter. Criteria: Invitae Variant Classification Sherloc (09022015). Collection method: clinical testing. Allele origin: germline.

Mayo Clinic Laboratories, Mayo Clinic
Classification: Benign. Last evaluated: 2023-10-20. Review status: criteria provided, single submitter. Criteria: ACMG Guidelines, 2015. Collection method: clinical testing. Allele origin: germline. Observed: 21 variant alleles.
Comment: BS1, BS2